The following is an entry in ClinVar:

NM_017866.6(TMEM70):c.210+1G>A

Gene: TMEM70 (transmembrane protein 70; plus strand). Cytogenetic location: 8q21.11.
Variant type: single nucleotide variant.
Coding change: c.210+1G>A on transcript NM_017866.6 (MANE Select); the canonical splice donor site of the intron after coding-DNA position 210, G replaced by A.
Molecular consequence: splice donor variant.
Genome position (GRCh38, 1-based): chr8:73,976,492, G>A. VCF-style: chr8-73976492-G-A. GRCh37 (hg19) VCF-style: chr8-74888727-G-A.
Other names: c.210+1G>A (NM_001040613.3).
Identifiers: ClinVar variation 3707871 (VCV003707871.2).
Genomic context (GRCh38, chr8:73,976,492, plus strand): 5'-GGCTGGAGTACGGGGCCTTCGGGAGCCGCGCGCCTTCTCCGGCGTCCGGGTCGAGCGCAG[G>A]TAGGGCGTCCGAGGTCTGGTGTCCCAAGTGAGGCGGGGAGGGCGGGCGTCGTGTCGGGCC-3'

ClinVar aggregate classification (germline): Likely pathogenic (1 of 4 stars; one submission).

Conditions:
Mitochondrial complex V (ATP synthase) deficiency, nuclear type 2. Also called: Nuclear-Encoded ATPase Deficiency, TMEM70-Related; MITOCHONDRIAL COMPLEX V (ATP SYNTHASE) DEFICIENCY, TMEM70 TYPE; ENCEPHALOCARDIOMYOPATHY, MITOCHONDRIAL, NEONATAL, DUE TO ATP SYNTHASE DEFICIENCY. Identifiers: Orphanet 1194, MedGen C3279699, MONDO:0013546, OMIM 614052.

Submission:

Labcorp Genetics (formerly Invitae), Labcorp
Classification: Likely pathogenic for Mitochondrial complex V (ATP synthase) deficiency, nuclear type 2. Last evaluated: 2024-11-04. Review status: criteria provided, single submitter. Criteria: Invitae Variant Classification Sherloc (09022015). Collection method: clinical testing. Allele origin: germline.
Comment: This sequence change affects a donor splice site in intron 1 of the TMEM70 gene. It is expected to disrupt RNA splicing. Variants that disrupt the donor or acceptor splice site typically lead to a loss of protein function (PMID: 16199547), and loss-of-function variants in TMEM70 are known to be pathogenic (PMID: 18953340, 21147908). This variant is not present in population databases (gnomAD no frequency). This variant has not been reported in the literature in individuals affected with TMEM70-related conditions. Algorithms developed to predict the effect of sequence changes on RNA splicing suggest that this variant may disrupt the consensus splice site. In summary, the currently available evidence indicates that the variant is pathogenic, but additional data are needed to prove that conclusively. Therefore, this variant has been classified as Likely Pathogenic.

Literature cited by the submitters: PubMed 16199547; PubMed 18953340; PubMed 21147908.